The following is an entry in ClinVar:

NM_003482.4(KMT2D):c.9602dup (p.Ser3202fs)

Gene: KMT2D (lysine methyltransferase 2D; minus strand). Cytogenetic location: 12q13.12.
Variant type: Duplication.
Coding change: c.9602dup on transcript NM_003482.4 (MANE Select); coding-DNA position 9602, one base duplicated (T; older notation c.9602dupT).
Protein change: p.Ser3202fs; shifts the reading frame from serine 3202.
Molecular consequence: frameshift variant.
Genome position (GRCh38, 1-based): chr12:49,037,754, A duplicated on the plus strand (T on the coding strand, the reverse complement: KMT2D is on the minus strand). VCF-style (leftmost placement, unchanged base first): chr12-49037753-C-CA. GRCh37 (hg19) VCF-style: chr12-49431536-C-CA.
Other names: c.9602dupT (NM_003482.3); short protein forms S3202fs.
Identifiers: ClinVar variation 424021 (VCV000424021.4), dbSNP rs1555190375, ClinGen allele CA16619536.

ClinVar aggregate classification (germline): Pathogenic. Review status: criteria provided, single submitter (1 of 4 stars). 3 submissions from 3 submitters: Pathogenic (1). 2 of the submissions do not count toward it. Last evaluated 2017-02-23.

Conditions:
Kabuki syndrome 1 (KABUK1). Also called: KMT2D-Related Kabuki Syndrome. Identifiers: Orphanet 2322, MedGen CN030661, MONDO:0007843, OMIM 147920.
CHARGE syndrome (CHARGE). Also called: Hittner Hirsch Kreh syndrome; CHARGE ASSOCIATION--COLOBOMA, HEART ANOMALY, CHOANAL ATRESIA, RETARDATION, GENITAL AND EAR ANOMALIES; Coloboma, heart anomaly, choanal atresia, retardation, genital and ear anomalies; CHARGE association; Hall-Hittner syndrome. Identifiers: Orphanet 138, MedGen C0265354, MONDO:0008965.

Submissions (3):

GeneDx
Classification: Pathogenic. Last evaluated: 2017-02-23. Review status: criteria provided, single submitter. Criteria: GeneDx Variant Classification (06012015). Collection method: clinical testing. Allele origin: germline. Affected: yes.
Comment: The c.9602dupT pathogenic variant in the KMT2D gene causes a frameshift starting with codon Serine 3202, changes this amino acid to a Glutamic acid residue and creates a premature Stop codon at position 13 of the new reading frame, denoted p.Ser3202GlufsX13. This pathogenic variant is predicted to cause loss of normal protein function either through protein truncation or nonsense-mediated mRNA decay. The variant is not observed in large population cohorts (Lek et al., 2016; 1000 Genomes Consortium et al., 2015; Exome Variant Server).

Sbielas Lab-Department of Human Genetics University of Michigan, University of Michigan Medical School
Classification: Pathogenic for Kabuki syndrome 1. Last evaluated: 2017-10-27. Review status: no assertion criteria provided. Collection method: research. Allele origin: unknown. Affected: yes. Not counted in ClinVar's aggregate classification.

University of Washington Center for Mendelian Genomics, University of Washington
Classification: Likely pathogenic for CHARGE syndrome. Review status: no assertion criteria provided. Collection method: research. Allele origin: unknown. Affected: yes. Not counted in ClinVar's aggregate classification.

Literature cited by the submitters: PubMed 29300383 (cited by Sbielas Lab-Department of Human Genetics University of Michigan, University of Michigan Medical School and University of Washington Center for Mendelian Genomics, University of Washington).